The following is an entry in ClinVar:

NM_014284.3(NCDN):c.1433G>A (p.Arg478Gln)

Gene: NCDN (neurochondrin; plus strand). Cytogenetic location: 1p34.3.
Variant type: single nucleotide variant.
Coding change: c.1433G>A on transcript NM_014284.3 (MANE Select); coding-DNA position 1433, G replaced by A.
Protein change: p.Arg478Gln; replaces arginine 478 with glutamine.
Molecular consequence: missense variant.
Genome position (GRCh38, 1-based): chr1:35,563,249, G>A. VCF-style: chr1-35563249-G-A. GRCh37 (hg19) VCF-style: chr1-36028850-G-A.
Other names: c.1433G>A, p.Arg478Gln (NM_001014839.2); c.1382G>A, p.Arg461Gln (NM_001014841.2); short protein forms R461Q, R478Q.
Identifiers: ClinVar variation 984913 (VCV000984913.5), dbSNP rs1305972382, ClinGen allele CA339346242.
Genomic context (GRCh38, chr1:35,563,249, plus strand): 5'-TCCACATCCCCAGGCTCCTCCTGCCTGGCTGGTGCCACCTGACCGTTGAAGATGGGCCCC[G>A]GGAGATCCTGATCAAGGAAGGGGCCCCCTCGCTTCTGTGCAAGTATTTCCTGCAGCAGTG-3'
Protein context (NP_055099.1, residues 468-488): WCHLTVEDGP[Arg478Gln]EILIKEGAPS

ClinVar aggregate classification (germline): Pathogenic. Review status: criteria provided, single submitter (1 of 4 stars). 2 submissions from 2 submitters: Pathogenic (1). 1 of the submissions does not count toward it. Last evaluated 2024-12-12.

Conditions:
Neurodevelopmental disorder with infantile epileptic spasms. Identifiers: MedGen C5543538, MONDO:0859162, OMIM 619373.

Allele frequency attached by ClinVar (database versions not stated): gnomAD exomes below 0.00001.

Submissions (2):

Research Group Niklas Dahl, Uppsala University
Classification: Pathogenic for Neurodevelopmental disorder with infantile epileptic spasms. Last evaluated: 2024-12-12. Review status: criteria provided, single submitter. Criteria: ACMG Guidelines, 2015. Collection method: research. Allele origin: de novo. Affected: yes. Observed: 1 variant allele.
Comment: We report on NCDN missense variants in six affected individuals from four families with variable degrees of developmental delay, intellectual disability (ID) and seizures. ACMG: Pathogenic 12 PS2, PS3, PM2_Supporting, PP2, PP3_Moderate

OMIM
Classification: Uncertain significance for VARIANT OF UNKNOWN SIGNIFICANCE. Last evaluated: 2022-03-15. Review status: no assertion criteria provided. Collection method: literature only. Allele origin: germline. Not counted in ClinVar's aggregate classification.

Literature cited by the submitters: PubMed 33711248 (cited by Research Group Niklas Dahl, Uppsala University and OMIM).